The following is an entry in ClinVar:

ClinVar aggregate classification (germline): Uncertain significance (1 of 4 stars; one submission).

Conditions:
Baller-Gerold syndrome (BGS). Also called: CRANIOSYNOSTOSIS WITH RADIAL DEFECTS. Identifiers: Orphanet 1225, MedGen C0265308, MONDO:0009039, OMIM 218600.

Submission:

Labcorp Genetics (formerly Invitae), Labcorp
Classification: Uncertain significance for Baller-Gerold syndrome. Last evaluated: 2024-08-27. Review status: criteria provided, single submitter. Criteria: Invitae Variant Classification Sherloc (09022015). Collection method: clinical testing. Allele origin: germline.
Comment: This sequence change replaces histidine, which is basic and polar, with glutamine, which is neutral and polar, at codon 655 of the RECQL4 protein (p.His655Gln). This variant is not present in population databases (gnomAD no frequency). This variant has not been reported in the literature in individuals affected with RECQL4-related conditions. Invitae Evidence Modeling of protein sequence and biophysical properties (such as structural, functional, and spatial information, amino acid conservation, physicochemical variation, residue mobility, and thermodynamic stability) indicates that this missense variant is not expected to disrupt RECQL4 protein function with a negative predictive value of 80%. In summary, the available evidence is currently insufficient to determine the role of this variant in disease. Therefore, it has been classified as a Variant of Uncertain Significance.

NM_004260.4(RECQL4):c.1965C>G (p.His655Gln)

Gene: RECQL4 (RecQ like helicase 4; minus strand). Cytogenetic location: 8q24.3.
Variant type: single nucleotide variant.
Coding change: c.1965C>G on transcript NM_004260.4 (MANE Select); coding-DNA position 1965, C replaced by G.
Protein change: p.His655Gln; replaces histidine 655 with glutamine.
Molecular consequence: missense variant. On other transcripts: non-coding transcript variant (3).
Genome position (GRCh38, 1-based): chr8:144,514,021, G>C on the plus strand (C>G on the coding strand, the complement: RECQL4 is on the minus strand). VCF-style: chr8-144514021-G-C. GRCh37 (hg19) VCF-style: chr8-145739405-G-C.
Other names: c.1869C>G, p.His623Gln (NM_001413017.1, NM_001413020.1); c.1965C>G, p.His655Gln (NM_001413018.1, NM_001413019.1, NM_001413036.1); c.894C>G, p.His298Gln (NM_001413021.1, NM_001413022.1, NM_001413023.1 and 6 more transcripts); c.1836C>G, p.His612Gln (NM_001413025.1); c.828C>G, p.His276Gln (NM_001413027.1, NM_001413030.1, NM_001413032.1 and 1 more transcripts); c.1614C>G, p.His538Gln (NM_001413029.1); c.696C>G, p.His232Gln (NM_001413031.1); c.1833C>G, p.His611Gln (NM_001413033.1); and 4 more; short protein forms H166Q, H254Q, H611Q, H612Q, H623Q, H276Q, H538Q, H288Q.
Identifiers: ClinVar variation 2911805 (VCV002911805.3), dbSNP rs1060504209, ClinGen allele CA372680399.